The following is an entry in ClinVar:

NM_031229.4(RBCK1):c.50G>A (p.Arg17Gln)

Gene: RBCK1 (RANBP2-type and C3HC4-type zinc finger containing 1; plus strand). Cytogenetic location: 20p13.
Variant type: single nucleotide variant.
Coding change: c.50G>A on transcript NM_031229.4 (MANE Select); coding-DNA position 50, G replaced by A.
Protein change: p.Arg17Gln; replaces arginine 17 with glutamine.
Molecular consequence: missense variant. On other transcripts: 5 prime UTR variant (1), non-coding transcript variant (1), intron variant (2).
Genome position (GRCh38, 1-based): chr20:409,908, G>A. VCF-style: chr20-409908-G-A. GRCh37 (hg19) VCF-style: chr20-390552-G-A.
Other names: c.-300G>A (NM_001323956.2); c.50G>A, p.Arg17Gln (NM_001323960.2); c.41+1129G>A (NM_006462.6); c.-183+1129G>A (NM_001323958.2); short protein forms R17Q.
Identifiers: ClinVar variation 858404 (VCV000858404.8), dbSNP rs200757913, ClinGen allele CA9722869.

ClinVar aggregate classification (germline): Uncertain significance. Review status: criteria provided, multiple submitters, no conflicts (2 of 4 stars). 3 submissions from 3 submitters: Uncertain significance (3). Last evaluated 2025-01-12.

Conditions:
Polyglucosan body myopathy type 1 (PGBM1). Also called: Polyglucosan body myopathy 1 with or without immunodeficiency; POLYGLUCOSAN BODY MYOPATHY WITHOUT IMMUNODEFICIENCY. Identifiers: Orphanet 329173, Orphanet 397937, MedGen C4014605, MONDO:0014389, OMIM 615895.

Allele frequency attached by ClinVar (database versions not stated): gnomAD exomes 0.00004 and 0.00007; TOPMed 0.00005; ExAC 0.00007; gnomAD 0.00007 and 0.00008; ESP Exome Variant Server 0.00015.
gnomAD v4.1: 70 of 1,613,970 alleles (0.0043%); highest among the groups gnomAD compares: Middle Eastern, 0.033%; no homozygotes.

Submissions (3):

Labcorp Genetics (formerly Invitae), Labcorp
Classification: Uncertain significance for Polyglucosan body myopathy type 1. Last evaluated: 2025-01-12. Review status: criteria provided, single submitter. Criteria: Invitae Variant Classification Sherloc (09022015). Collection method: clinical testing. Allele origin: germline.
Comment: This sequence change replaces arginine, which is basic and polar, with glutamine, which is neutral and polar, at codon 17 of the RBCK1 protein (p.Arg17Gln). This variant is present in population databases (rs200757913, gnomAD 0.02%). This variant has not been reported in the literature in individuals affected with RBCK1-related conditions. ClinVar contains an entry for this variant (Variation ID: 858404). Invitae Evidence Modeling of protein sequence and biophysical properties (such as structural, functional, and spatial information, amino acid conservation, physicochemical variation, residue mobility, and thermodynamic stability) indicates that this missense variant is not expected to disrupt RBCK1 protein function with a negative predictive value of 80%. In summary, the available evidence is currently insufficient to determine the role of this variant in disease. Therefore, it has been classified as a Variant of Uncertain Significance.

Revvity Omics, Revvity
Classification: Uncertain significance for Polyglucosan body myopathy type 1. Last evaluated: 2024-02-05. Review status: criteria provided, single submitter. Criteria: ACMG Guidelines, 2015. Collection method: clinical testing. Allele origin: germline.

Blueprint Genetics
Classification: Uncertain significance. Last evaluated: 2023-05-22. Review status: criteria provided, single submitter. Criteria: ACMG Guidelines, 2015. Collection method: clinical testing. Allele origin: germline.